The following is an entry in ClinVar:

NM_012469.4(PRPF6):c.1103A>G (p.His368Arg)

Gene: PRPF6 (pre-mRNA processing factor 6; plus strand). Cytogenetic location: 20q13.33.
Variant type: single nucleotide variant.
Coding change: c.1103A>G on transcript NM_012469.4 (MANE Select); coding-DNA position 1103, A replaced by G.
Protein change: p.His368Arg; replaces histidine 368 with arginine.
Molecular consequence: missense variant.
Genome position (GRCh38, 1-based): chr20:64,001,156, A>G. VCF-style: chr20-64001156-A-G. GRCh37 (hg19) VCF-style: chr20-62632509-A-G.
Other names: short protein forms H368R.
Identifiers: ClinVar variation 339469 (VCV000339469.8), dbSNP rs886056960, ClinGen allele CA10652815.

ClinVar aggregate classification (germline): Uncertain significance. Review status: criteria provided, multiple submitters, no conflicts (2 of 4 stars). 3 submissions from 3 submitters: Uncertain significance (3). Last evaluated 2024-05-23.

Conditions:
Retinitis pigmentosa (RP). Identifiers: Orphanet 791, MedGen C0035334, MeSH D012174, MONDO:0019200, OMIM 268000. Inheritance: Autosomal dominant, autosomal recessive and X linked inheritance.

Allele frequency attached by ClinVar (database versions not stated): gnomAD 0.00001; gnomAD exomes 0.00001; TOPMed 0.00001.
gnomAD v4.1: 6 of 1,614,094 alleles (0.00037%); highest among the groups gnomAD compares: Non-Finnish European, 0.00051%; no homozygotes.

Submissions (3):

Ambry Genetics
Classification: Uncertain significance. Last evaluated: 2024-05-23. Review status: criteria provided, single submitter. Criteria: Ambry Variant Classification Scheme 2023. Collection method: clinical testing. Allele origin: germline.

Labcorp Genetics (formerly Invitae), Labcorp
Classification: Uncertain significance. Last evaluated: 2024-03-01. Review status: criteria provided, single submitter. Criteria: Invitae Variant Classification Sherloc (09022015). Collection method: clinical testing. Allele origin: germline.
Comment: This sequence change replaces histidine, which is basic and polar, with arginine, which is basic and polar, at codon 368 of the PRPF6 protein (p.His368Arg). This variant is not present in population databases (gnomAD no frequency). This variant has not been reported in the literature in individuals affected with PRPF6-related conditions. ClinVar contains an entry for this variant (Variation ID: 339469). Advanced modeling of protein sequence and biophysical properties (such as structural, functional, and spatial information, amino acid conservation, physicochemical variation, residue mobility, and thermodynamic stability) performed at Invitae indicates that this missense variant is not expected to disrupt PRPF6 protein function with a negative predictive value of 80%. In summary, the available evidence is currently insufficient to determine the role of this variant in disease. Therefore, it has been classified as a Variant of Uncertain Significance.

Illumina Laboratory Services, Illumina
Classification: Uncertain significance for Retinitis pigmentosa. Last evaluated: 2018-01-13. Review status: criteria provided, single submitter. Criteria: ICSL Variant Classification Criteria 13 December 2019. Collection method: clinical testing. Allele origin: germline.